The following is an entry in ClinVar:

NM_004360.5(CDH1):c.2054T>A (p.Val685Glu)

Gene: CDH1 (cadherin 1; plus strand). Cytogenetic location: 16q22.1.
Variant type: single nucleotide variant.
Coding change: c.2054T>A on transcript NM_004360.5 (MANE Select); coding-DNA position 2054, T replaced by A.
Protein change: p.Val685Glu; replaces valine 685 with glutamic acid.
Molecular consequence: missense variant.
Genome position (GRCh38, 1-based): chr16:68,823,516, T>A. VCF-style: chr16-68823516-T-A. GRCh37 (hg19) VCF-style: chr16-68857419-T-A.
Other names: c.1871T>A, p.Val624Glu (NM_001317184.2); c.506T>A, p.Val169Glu (NM_001317185.2); c.89T>A, p.Val30Glu (NM_001317186.2); short protein forms V624E, V30E, V169E, V685E.
Identifiers: ClinVar variation 2567624 (VCV002567624.2), dbSNP rs2152139451, ClinGen allele CA396467755.
Genomic context (GRCh38, chr16:68,823,516, plus strand): 5'-TCAATCTCAAGCTCATGGATAACCAGAATAAAGACCAAGTGACCACCTTAGAGGTCAGCG[T>A]GTGTGACTGTGAAGGGGCCGCTGGCGTCTGTAGGAAGGCACAGCCTGTCGAAGCAGGATT-3'
Protein context (NP_004351.1, residues 675-695): KDQVTTLEVS[Val685Glu]CDCEGAAGVC

ClinVar aggregate classification (germline): Uncertain significance (1 of 4 stars; one submission).

Conditions:
Hereditary cancer-predisposing syndrome. Also called: Hereditary neoplastic syndrome; Hereditary Cancer Syndrome; Neoplastic Syndromes, Hereditary; Tumor predisposition. Identifiers: Orphanet 140162, MedGen C0027672, MeSH D009386, MONDO:0015356.

Submission:

Ambry Genetics
Classification: Uncertain significance for Hereditary cancer-predisposing syndrome. Last evaluated: 2023-06-09. Review status: criteria provided, single submitter. Criteria: Ambry Variant Classification Scheme 2023. Collection method: clinical testing. Allele origin: germline.
Comment: The p.V685E variant (also known as c.2054T>A), located in coding exon 13 of the CDH1 gene, results from a T to A substitution at nucleotide position 2054. The valine at codon 685 is replaced by glutamic acid, an amino acid with dissimilar properties. This amino acid position is conserved. In addition, this alteration is predicted to be deleterious by in silico analysis. Since supporting evidence is limited at this time, the clinical significance of this alteration remains unclear.